The following is an entry in ClinVar:

NM_000384.3(APOB):c.9943C>G (p.Leu3315Val)

Gene: APOB (apolipoprotein B; minus strand). Cytogenetic location: 2p24.1.
Variant type: single nucleotide variant.
Coding change: c.9943C>G on transcript NM_000384.3 (MANE Select); coding-DNA position 9943, C replaced by G.
Protein change: p.Leu3315Val; replaces leucine 3315 with valine.
Molecular consequence: missense variant.
Genome position (GRCh38, 1-based): chr2:21,006,925, G>C on the plus strand (C>G on the coding strand, the complement: APOB is on the minus strand). VCF-style: chr2-21006925-G-C. GRCh37 (hg19) VCF-style: chr2-21229797-G-C.
Other names: short protein forms L3315V.
Identifiers: ClinVar variation 2941966 (VCV002941966.3), dbSNP rs1389823821, ClinGen allele CA345988212.

ClinVar aggregate classification (germline): Uncertain significance (1 of 4 stars; one submission).

Conditions:
Familial hypobetalipoproteinemia 1. Also called: APOB-Related Familial Hypobetalipoproteinemia; Hypobetalipoproteinemia, normotriglyceridemic; Acanthocytosis with hypobetalipoproteinemia. Identifiers: MedGen C4551990, MONDO:0014252, OMIM 615558.
Hypercholesterolemia, autosomal dominant, type B (FHCL2). Also called: Familial Hypercholesterolemia Type B; APOLIPOPROTEIN B-100, FAMILIAL DEFECTIVE; APOLIPOPROTEIN B-100, FAMILIAL LIGAND-DEFECTIVE; HYPERCHOLESTEROLEMIA, FAMILIAL, DUE TO LIGAND-DEFECTIVE APOLIPOPROTEIN B; Hyperlipoproteinemia Type IIb; Familial hypercholesterolemia 2. Identifiers: MedGen C1704417, MONDO:0007751, OMIM 144010.

Submission:

Labcorp Genetics (formerly Invitae), Labcorp
Classification: Uncertain significance for Familial hypobetalipoproteinemia 1; Hypercholesterolemia, autosomal dominant, type B. Last evaluated: 2022-12-01. Review status: criteria provided, single submitter. Criteria: Invitae Variant Classification Sherloc (09022015). Collection method: clinical testing. Allele origin: germline.
Comment: This sequence change replaces leucine, which is neutral and non-polar, with valine, which is neutral and non-polar, at codon 3315 of the APOB protein (p.Leu3315Val). This variant is not present in population databases (gnomAD no frequency). This variant has not been reported in the literature in individuals affected with APOB-related conditions. Advanced modeling of protein sequence and biophysical properties (such as structural, functional, and spatial information, amino acid conservation, physicochemical variation, residue mobility, and thermodynamic stability) performed at Invitae indicates that this missense variant is not expected to disrupt APOB protein function. In summary, the available evidence is currently insufficient to determine the role of this variant in disease. Therefore, it has been classified as a Variant of Uncertain Significance.